The following is an entry in ClinVar:

ClinVar aggregate classification (germline): Uncertain significance. Review status: criteria provided, multiple submitters, no conflicts (2 of 4 stars). 2 submissions from 2 submitters: Uncertain significance (2). Last evaluated 2025-03-24.

Conditions:
Autosomal recessive osteopetrosis 1. Also called: ALBERS-SCHONBERG DISEASE, AUTOSOMAL RECESSIVE; TCIRG1-Related Osteopetrosis; TCIRG1-Related Autosomal Recessive Osteopetrosis. Identifiers: Orphanet 667, MedGen C1850127, MONDO:0009815, OMIM 259700.

gnomAD v4.1: 7 of 1,568,172 alleles (0.00045%); highest among the groups gnomAD compares: East Asian, 0.016%; no homozygotes.

Submissions (2):

Women's Health and Genetics/Laboratory Corporation of America, LabCorp
Classification: Uncertain significance. Last evaluated: 2025-03-24. Review status: criteria provided, single submitter. Criteria: LabCorp Variant Classification Summary - May 2015. Collection method: clinical testing. Allele origin: germline.

Juno Genomics, Hangzhou Juno Genomics, Inc
Classification: Uncertain significance for Autosomal recessive osteopetrosis 1. Review status: criteria provided, single submitter. Criteria: ACMG Guidelines, 2015. Collection method: clinical testing. Allele origin: germline.
Comment: Absent from controls (or at extremely low frequency if recessive) in Genome Aggregation Database.;Multiple lines of computational evidence support a deleterious effect on the gene or gene product.

NM_006019.4(TCIRG1):c.2013+3G>T

Gene: TCIRG1 (T cell immune regulator 1, ATPase H+ transporting V0 subunit a3; plus strand). Cytogenetic location: 11q13.2.
Variant type: single nucleotide variant.
Coding change: c.2013+3G>T on transcript NM_006019.4 (MANE Select); 3 bases into the intron after coding-DNA position 2013, G replaced by T.
Molecular consequence: intron variant.
Genome position (GRCh38, 1-based): chr11:68,049,791, G>T. VCF-style: chr11-68049791-G-T. GRCh37 (hg19) VCF-style: chr11-67817258-G-T.
Other names: c.1119+3G>T (NM_001351059.2); c.1365+3G>T (NM_006053.4).
Identifiers: ClinVar variation 3896014 (VCV003896014.3).